The following is an entry in ClinVar:

ClinVar aggregate classification (germline): Pathogenic (1 of 4 stars; one submission).

Conditions:
Autosomal dominant Alport syndrome (ATS3A). Also called: ALPORT SYNDROME 3A, AUTOSOMAL DOMINANT; Alport syndrome dominant type; Renal failure and sensorineural hearing loss. Identifiers: Orphanet 63, Orphanet 88918, MedGen C5882663, MONDO:0007086, OMIM 104200.

Submission:

Centre de Génétique Humaine, Institut de Pathologie Et de Génétique
Classification: Pathogenic for Autosomal dominant Alport syndrome. Last evaluated: 2026-04-03. Review status: criteria provided, single submitter. Criteria: ACMG Guidelines, 2015. Collection method: clinical testing. Allele origin: paternal. Inheritance: Autosomal dominant inheritance. Affected: yes. Observed: 1 variant allele, 1 heterozygote. Segregation with disease observed.
Comment: This missense variant involves a highly conserved glycine located in a ‘Gly-X-Y’ motif in collagenous region, which is characteristic of the pathogenic variants identified in the COL4A3 gene (PM1,PP2). Same amino acid change described as c.1141G>C, PMID: 30586318 (PS1)This variant is rare: absent in gnomAD v4.1.0 database (PM2); In silico analysis supports that this missense variant has a deleterious effect (PP3).

NM_000091.5(COL4A3):c.1141G>A (p.Gly381Arg)

Genes: COL4A3 (collagen type IV alpha 3 chain; plus strand), MFF-DT (MFF divergent transcript; minus strand). Cytogenetic location: 2q36.3.
Variant type: single nucleotide variant.
Coding change: c.1141G>A on transcript NM_000091.5 (MANE Select); coding-DNA position 1141, G replaced by A.
Protein change: p.Gly381Arg; replaces glycine 381 with arginine.
Molecular consequence: missense variant.
Genome position (GRCh38, 1-based): chr2:227,261,108, G>A. VCF-style: chr2-227261108-G-A. GRCh37 (hg19) VCF-style: chr2-228125824-G-A.
Other names: p.(Gly381Arg); short protein forms G381R.
Identifiers: ClinVar variation 4853849 (VCV004853849.1).